The following is an entry in ClinVar:

NM_000548.5(TSC2):c.2640-3C>T

Gene: TSC2 (TSC complex subunit 2; plus strand). Cytogenetic location: 16p13.3.
Variant type: single nucleotide variant.
Coding change: c.2640-3C>T on transcript NM_000548.5 (MANE Select); 3 bases into the intron before coding-DNA position 2640, C replaced by T.
Molecular consequence: intron variant.
Genome position (GRCh38, 1-based): chr16:2,076,065, C>T. VCF-style: chr16-2076065-C-T. GRCh37 (hg19) VCF-style: chr16-2126066-C-T.
Other names: c.2640-3C>T (NM_001114382.3, NM_021055.3, NM_001370405.1 and 3 more transcripts); c.2529-3C>T (NM_001318827.2); c.2040-3C>T (NM_001318831.2); c.2493-3C>T (NM_001318829.2); c.2673-3C>T (NM_001318832.2).
Identifiers: ClinVar variation 850834 (VCV000850834.10), dbSNP rs2089308821, ClinGen allele CA916081777.

ClinVar aggregate classification (germline): Uncertain significance. Review status: criteria provided, multiple submitters, no conflicts (2 of 4 stars). 2 submissions from 2 submitters: Uncertain significance (2). Last evaluated 2026-09-10.

Conditions:
Hereditary cancer-predisposing syndrome. Also called: Tumor predisposition; Hereditary neoplastic syndrome; Neoplastic Syndromes, Hereditary; Hereditary Cancer Syndrome. Identifiers: Orphanet 140162, MedGen C0027672, MeSH D009386, MONDO:0015356.
Tuberous sclerosis 2 (TSC2). Identifiers: Orphanet 805, MedGen C1860707, MONDO:0013199, OMIM 613254.

Allele frequency attached by ClinVar (database versions not stated): TOPMed below 0.00001; gnomAD exomes below 0.00001; gnomAD 0.00001.
gnomAD v4.1: 2 of 1,613,848 alleles (0.00012%); highest among the groups gnomAD compares: Non-Finnish European, 0.00017%; no homozygotes.

Submissions (2):

Ambry Genetics
Classification: Uncertain significance for Hereditary cancer-predisposing syndrome. Last evaluated: 2026-09-10. Review status: criteria provided, single submitter. Criteria: Ambry Variant Classification Scheme 2023. Collection method: clinical testing. Allele origin: germline.
Comment: The c.2640-3C>T intronic variant results from a C to T substitution 3 nucleotides upstream from coding exon 23 in the TSC2 gene. This nucleotide position is well conserved in available vertebrate species. In silico splice site analysis predicts that this alteration will not have any significant effect on splicing. Based on the available evidence, the clinical significance of this variant remains unclear.

Labcorp Genetics (formerly Invitae), Labcorp
Classification: Uncertain significance for Tuberous sclerosis 2. Last evaluated: 2026-01-05. Review status: criteria provided, single submitter. Criteria: Invitae Variant Classification Sherloc (09022015). Collection method: clinical testing. Allele origin: germline.
Comment: This sequence change falls in intron 23 of the TSC2 gene. It does not directly change the encoded amino acid sequence of the TSC2 protein. It affects a nucleotide within the consensus splice site. This variant is not present in population databases (gnomAD no frequency). This variant has not been reported in the literature in individuals affected with TSC2-related conditions. ClinVar contains an entry for this variant (Variation ID: 850834). Variants that disrupt the consensus splice site are a relatively common cause of aberrant splicing (PMID: 17576681, 9536098). Algorithms developed to predict the effect of sequence changes on RNA splicing suggest that this variant is not likely to affect RNA splicing. In summary, the available evidence is currently insufficient to determine the role of this variant in disease. Therefore, it has been classified as a Variant of Uncertain Significance.

Literature cited by the submitters: PubMed 17576681 (cited by Labcorp Genetics (formerly Invitae), Labcorp); PubMed 9536098 (cited by Labcorp Genetics (formerly Invitae), Labcorp).